The following is an entry in ClinVar:

NM_004818.3(DDX23):c.952C>T (p.Arg318Cys)

Gene: DDX23 (DEAD-box helicase 23; minus strand). Cytogenetic location: 12q13.12.
Variant type: single nucleotide variant.
Coding change: c.952C>T on transcript NM_004818.3 (MANE Select); coding-DNA position 952, C replaced by T.
Protein change: p.Arg318Cys; replaces arginine 318 with cysteine.
Molecular consequence: missense variant.
Genome position (GRCh38, 1-based): chr12:48,836,952, G>A on the plus strand (C>T on the coding strand, the complement: DDX23 is on the minus strand). VCF-style: chr12-48836952-G-A. GRCh37 (hg19) VCF-style: chr12-49230735-G-A.
Other names: short protein forms R318C.
Identifiers: ClinVar variation 3030327 (VCV003030327.4), dbSNP rs1938474516, ClinGen allele CA384676265.
Genomic context (GRCh38, chr12:48,836,952, plus strand): 5'-ACTCCTCCTGCTCCTTTTCTTCCAGGGTTCGCCTCTTCTCCATTAGGTCTCCATAGAAAC[G>A]TGACTGCTCTCGCTTCTGCTGCTTGAGGTCAATGCCTGCAATGAAGCCTCGCCCTAACAA-3'
Protein context (NP_004809.2, residues 308-328): DLKQQKREQS[Arg318Cys]FYGDLMEKRR

ClinVar aggregate classification (germline): Uncertain significance. Review status: criteria provided, single submitter (1 of 4 stars). 2 submissions from 2 submitters: Uncertain significance (1). 1 of the submissions does not count toward it. Last evaluated 2026-05-23.

Conditions:
Inborn genetic diseases. Identifiers: MedGen C0950123, MeSH D030342.
DDX23-related disorder. Also called: DDX23-related condition.

Allele frequency attached by ClinVar (database versions not stated): gnomAD exomes below 0.00001; TOPMed 0.00001; gnomAD 0.00001.
gnomAD v4.1: 4 of 1,613,790 alleles (0.00025%); highest among the groups gnomAD compares: Admixed American, 0.0033%; no homozygotes.

Submissions (2):

Ambry Genetics
Classification: Uncertain significance for Inborn genetic diseases. Last evaluated: 2026-05-23. Review status: criteria provided, single submitter. Criteria: Ambry Variant Classification Scheme 2023. Collection method: clinical testing. Allele origin: germline.
Comment: The c.952C>T (p.R318C) alteration is located in exon 9 (coding exon 8) of the DDX23 gene. This alteration results from a C to T substitution at nucleotide position 952, causing the arginine (R) at amino acid position 318 to be replaced by a cysteine (C). Based on data from gnomAD, the T allele has an overall frequency of 0.003% (1/31374) total alleles studied. The highest observed frequency was 0.007% (1/15408) of European (non-Finnish) alleles. Based on insufficient or conflicting evidence, the clinical significance of this alteration remains unclear.

PreventionGenetics, part of Exact Sciences
Classification: Uncertain significance for DDX23-related condition. Last evaluated: 2024-02-07. Review status: no assertion criteria provided. Collection method: clinical testing. Allele origin: germline. Not counted in ClinVar's aggregate classification.
Comment: The DDX23 c.952C>T variant is predicted to result in the amino acid substitution p.Arg318Cys. To our knowledge, this variant has not been reported in the literature. This variant is reported in 0.0065% of alleles in individuals of European (Non-Finnish) descent in gnomAD. At this time, the clinical significance of this variant is uncertain due to the absence of conclusive functional and genetic evidence.